The following is an entry in ClinVar:

NM_001040616.3(LINS1):c.1394+4A>G

Gene: LINS1 (lines homolog 1; minus strand). Cytogenetic location: 15q26.3.
Variant type: single nucleotide variant.
Coding change: c.1394+4A>G on transcript NM_001040616.3 (MANE Select); 4 bases into the intron after coding-DNA position 1394, A replaced by G.
Molecular consequence: intron variant.
Genome position (GRCh38, 1-based): chr15:100,571,890, T>C on the plus strand (A>G on the coding strand, the complement: LINS1 is on the minus strand). VCF-style: chr15-100571890-T-C. GRCh37 (hg19) VCF-style: chr15-101112095-T-C.
Other names: c.1241+4A>G (NM_001352508.2); c.647+4A>G (NM_001352507.2).
Identifiers: ClinVar variation 211380 (VCV000211380.10), dbSNP rs200846434, ClinGen allele CA206834.

ClinVar aggregate classification (germline): Uncertain significance. Review status: criteria provided, multiple submitters, no conflicts (2 of 4 stars). 2 submissions from 2 submitters: Uncertain significance (2). Last evaluated 2017-05-31.

Conditions:
Inborn genetic diseases. Identifiers: MedGen C0950123, MeSH D030342.

Allele frequency attached by ClinVar (database versions not stated): ESP Exome Variant Server 0.00015; TOPMed 0.00025.
gnomAD v4.1: 279 of 1,614,030 alleles (0.017%); highest among the groups gnomAD compares: Non-Finnish European, 0.018%; no homozygotes.

Submissions (2):

Ambry Genetics
Classification: Uncertain significance for Inborn genetic diseases. Last evaluated: 2017-05-31. Review status: criteria provided, single submitter. Criteria: Ambry Variant Classification Scheme 2023. Collection method: clinical testing. Allele origin: germline.
Comment: The c.1394+4A>G intronic variant results from an A to G substitution 4 nucleotides after coding exon 5 in the LINS gene. This nucleotide position is poorly conserved in available vertebrate species. Using the BDGP and ESEfinder splice site prediction tools, this alteration is predicted to weaken the efficiency of the native splice donor site; however, direct evidence is unavailable. Since supporting evidence is limited at this time, the clinical significance of this alteration remains unclear.

Genetic Services Laboratory, University of Chicago
Classification: Uncertain significance. Last evaluated: 2014-05-20. Review status: criteria provided, single submitter. Criteria: ACMG Guidelines, 2015. Collection method: clinical testing. Allele origin: germline.